The following is an entry in ClinVar:

NM_007294.4(BRCA1):c.3331_3334del (p.Gln1111fs)

Genes: BRCA1 (BRCA1 DNA repair associated; minus strand), LOC126862571 (BRD4-independent group 4 enhancer GRCh37_chr17:41243136-41244335; plus strand). Cytogenetic location: 17q21.31.
Variant type: Deletion.
Coding change: c.3331_3334del on transcript NM_007294.4 (MANE Select); coding-DNA positions 3331 to 3334, 4 bases deleted (CAAG; older notation c.3331_3334delCAAG).
Protein change: p.Gln1111fs; shifts the reading frame from glutamine 1111.
Molecular consequence: frameshift variant. On other transcripts: intron variant (137).
Genome position (GRCh38, 1-based): chr17:43,092,197-43,092,200, CTTG deleted on the plus strand (CAAG on the coding strand, the reverse complement: BRCA1 is on the minus strand); deleting any 4 consecutive bases within chr17:43,092,197-43,092,203 gives the same sequence; the c. name uses the placement nearest the transcript's 3' end. VCF-style (leftmost placement, unchanged base first): chr17-43092196-TCTTG-T. GRCh37 (hg19) VCF-style: chr17-41244213-TCTTG-T.
Other names: 3448del4; 3447del4; 3450_3453delCAAG; 3450del4; c.3331_3334delCAAG (NM_007294.3); c.3118_3121del, p.Gln1040fs (NM_001407571.1, NM_001407853.1, NM_001407894.1 and 9 more transcripts); c.3331_3334del, p.Gln1111fs (NM_001407581.1, NM_001407582.1, NM_001407583.1 and 30 more transcripts); c.3328_3331del, p.Gln1110fs (NM_001407587.1, NM_001407590.1, NM_001407591.1 and 22 more transcripts); and 46 more; short protein forms Q1064fs, Q1111fs, Q1000fs, Q1069fs, Q1108fs, Q1110fs, Q983fs, Q1022fs.
Identifiers: ClinVar variation 37523 (VCV000037523.66), dbSNP rs80357701, ClinGen allele CA002149.
Genomic context (GRCh38, chr17:43,092,196, plus strand): 5'-TTATCTGAAATCAGATATGGAGAGAAATCTGTATTAACAGTCTGAACTACTTCTTCATAT[TCTTG>T]CTTTTTTATTTCAGGATGCTTACAATTACTTCCAGGAAGACTTTGTTTATAGACCTCAGG-3'

ClinVar aggregate classification (germline): Pathogenic. Review status: reviewed by expert panel (3 of 4 stars). 42 submissions from 41 submitters: Pathogenic (1). 41 of the submissions do not count toward it. Last evaluated 2016-04-22.

Conditions:
BRCA1-related disorder. Also called: BRCA1-related condition.
Familial cancer of breast. Also called: Hereditary breast cancer; hereditary breast carcinoma; BREAST CANCER, FAMILIAL. Identifiers: Orphanet 227535, MedGen C0346153, MONDO:0016419, OMIM 114480. Disease mechanism: loss of function.
Breast-ovarian cancer, familial, susceptibility to, 1 (BROVCA1). Also called: OVARIAN CANCER, SUSCEPTIBILITY TO; BRCA1 Hereditary Breast and Ovarian Cancer. Identifiers: Orphanet 145, MedGen C2676676, MONDO:0011450, OMIM 604370. Disease mechanism: loss of function.
Pancreatic cancer, susceptibility to, 4. Identifiers: Orphanet 1333, MedGen C3280442, MONDO:0013685, OMIM 614320.
Fanconi anemia, complementation group S (FANCS). Identifiers: MedGen C4554406, MONDO:0054748, OMIM 617883.
Inherited ovarian cancer (without breast cancer).
Inherited breast cancer and ovarian cancer.
Breast and/or ovarian cancer. Identifiers: MedGen CN221562.
Breast neoplasm. Also called: Neoplasm of breast; Breast tumor; Neoplasm of the breast; Breast Neoplasms. Identifiers: MedGen C1458155, MeSH D001943, MONDO:0021100, HP:0100013. Disease mechanism: gain of function.
Hereditary cancer-predisposing syndrome. Also called: Tumor predisposition; Neoplastic Syndromes, Hereditary; Hereditary Cancer Syndrome; Hereditary neoplastic syndrome. Identifiers: Orphanet 140162, MedGen C0027672, MeSH D009386, MONDO:0015356.
Hereditary breast ovarian cancer syndrome. Also called: Hereditary breast and ovarian cancer syndrome (HBOC); Hereditary breast and ovarian cancer syndrome; Hereditary breast and ovarian cancer; Hereditary breast and/or ovarian cancer syndrome; Breast and ovarian cancer; BRCA1- and BRCA2-Associated Hereditary Breast and Ovarian Cancer. Identifiers: Orphanet 145, MedGen C0677776, MeSH D061325, MONDO:0003582. Disease mechanism: loss of function.
Malignant tumor of breast. Also called: Malignant breast neoplasm; Cancer breast. Identifiers: MedGen C0006142, MONDO:0007254. Disease mechanism: loss of function.

Submissions 1 to 8 of 42:

Evidence-based Network for the Interpretation of Germline Mutant Alleles (ENIGMA)
Classification: Pathogenic for Breast-ovarian cancer, familial, susceptibility to, 1. Last evaluated: 2016-04-22. Review status: reviewed by expert panel. Criteria: ENIGMA BRCA1/2 Classification Criteria (2015). Collection method: curation. Allele origin: germline.
Comment: Variant allele predicted to encode a truncated non-functional protein.

Cambridge Genomics Laboratory, East Genomic Laboratory Hub, NHS Genomic Medicine Service
Classification: Pathogenic for Inherited breast cancer and ovarian cancer. Last evaluated: 2026-04-07. Review status: criteria provided, single submitter. Criteria: ACGS Best Practice Guidelines for Variant Classification in Rare Disease 2020. Collection method: clinical testing. Allele origin: germline. Affected: yes. Not counted in ClinVar's aggregate classification.
Comment: PVS1,PM2_Supporting,PM5_Strong

Labcorp Genetics (formerly Invitae), Labcorp
Classification: Pathogenic for Hereditary breast ovarian cancer syndrome. Last evaluated: 2026-01-14. Review status: criteria provided, single submitter. Criteria: Invitae Variant Classification Sherloc (09022015). Collection method: clinical testing. Allele origin: germline. Not counted in ClinVar's aggregate classification.
Comment: This sequence change creates a premature translational stop signal (p.Gln1111Asnfs*5) in the BRCA1 gene. It is expected to result in an absent or disrupted protein product. Loss-of-function variants in BRCA1 are known to be pathogenic (PMID: 20104584). This variant is not present in population databases (gnomAD no frequency). This premature translational stop signal has been observed in individual(s) with hereditary breast and ovarian cancer (PMID: 22044689, 24742220, 24916970). It is commonly reported in individuals of Portuguese ancestry (PMID: 22044689, 24742220, 24916970). This variant is also known as 3450del4 and 3450delCAAG. ClinVar contains an entry for this variant (Variation ID: 37523). For these reasons, this variant has been classified as Pathogenic.

Center for Genomic Medicine, Rigshospitalet, Copenhagen University Hospital
Classification: Pathogenic. Last evaluated: 2025-12-29. Review status: criteria provided, single submitter. Criteria: ACMG Guidelines, 2015. Collection method: clinical testing. Allele origin: germline. Not counted in ClinVar's aggregate classification.
Comment: Classification criteria: PVS1, PM5_Strong

Color Diagnostics, LLC DBA Color Health
Classification: Pathogenic for Hereditary cancer-predisposing syndrome. Last evaluated: 2025-11-17. Review status: criteria provided, single submitter. Criteria: ACMG Guidelines, 2015. Collection method: clinical testing. Allele origin: germline. Not counted in ClinVar's aggregate classification.
Comment: This variant deletes 4 nucleotides in exon 10 of the BRCA1 gene, creating a frameshift and premature translation stop signal. This variant is expected to result in an absent or non-functional protein product. This variant has been reported in over 10 individuals affected with breast and/or ovarian cancer (PMID: 24742220, 29161300, 30078507, 30322717, 30535581) and in a breast cancer case-control meta-analysis in 19/60466 cases and absent in 53461 unaffected individuals (PMID: 33471991LOVD DB-ID BRCA1_001471). This variant also has been detected in at least nine suspected hereditary breast and ovarian cancer families (PMID: 29088781) and a family affected with pancreatic cancer (PMID: 30736435). This variant has been described as a common recurrent or founder mutation in South and Central America and Portugal (PMID: 17080309, 22044689, 27286788, 30535581). Multifactorial analysis reached a combined likelihood ratio (LR) of 9.66E+17 based on case-control data and personal and family history for 15 carriers (PMID: 31853058, 40413188). This variant has not been identified in the general population by the Genome Aggregation Database (gnomAD). Loss of BRCA1 function is a known mechanism of disease. Based on the available evidence, this variant is classified as Pathogenic.

Ambry Genetics
Classification: Pathogenic for Hereditary cancer-predisposing syndrome. Last evaluated: 2025-08-04. Review status: criteria provided, single submitter. Criteria: Ambry Variant Classification Scheme 2023. Collection method: clinical testing. Allele origin: germline. Not counted in ClinVar's aggregate classification.
Comment: The c.3331_3334delCAAG (p.Q1111Nfs*5) alteration, located in exon 10 (coding exon 9) of the BRCA1 gene, consists of a deletion of 4 nucleotides from position 3331 to 3334, causing a translational frameshift with a predicted alternate stop codon after 5 amino acids. This alteration is expected to result in loss of function by premature protein truncation or nonsense-mediated mRNA decay. This variant was not reported in population-based cohorts in the Genome Aggregation Database (gnomAD). This variant has been reported in multiple families with hereditary breast and ovarian cancer (Durocher, 1996; Felix, 2014; Maistro, 2016; Gabald&oacute; Barrios, 2017), and several studies have described this alteration as a founder mutation in the Colombian and Chilean populations (Durocher, 1996; Torres, 2007; Rodr&iacute;guez, 2012; Alvarez, 2017). Of note, this alteration is also designated as 3450del4 in published literature. Based on the available evidence, this alteration is classified as pathogenic.

Cambridge Genomics Laboratory, East Genomic Laboratory Hub, NHS Genomic Medicine Service
Classification: Pathogenic for Inherited ovarian cancer (without breast cancer). Last evaluated: 2025-07-23. Review status: criteria provided, single submitter. Criteria: ACGS Best Practice Guidelines for Variant Classification in Rare Disease 2020. Collection method: clinical testing. Allele origin: germline. Affected: yes. Not counted in ClinVar's aggregate classification.
Comment: the same text as in the submission from Cambridge Genomics Laboratory, East Genomic Laboratory Hub, NHS Genomic Medicine Service above.

Molecular Diagnostics Laboratory, Catalan Institute of Oncology
Classification: Pathogenic for Hereditary cancer-predisposing syndrome. Last evaluated: 2025-01-13. Review status: criteria provided, single submitter. Criteria: ClinGen BRCA1BRCA2 ACMG Specifications BRCA1 V1.0.0. Collection method: clinical testing. Allele origin: germline. Not counted in ClinVar's aggregate classification.
Comment: PVS1, PM5_PTC_Strong c.3331_3334del, located in exon 10 (11 in BIC nomenclature) of the BRCA1 gene, consists in the deletion of four nucleotides, causing a translational frameshift with a predicted alternate stop codon, p.(Gln1111Asnfs*5).This alteration is expected to result in loss of function by premature protein truncation and nonsense-mediated mRNA decay (PVS1, PM5_PTC_Strong). It is not present in the population database gnomAD v2.1.1, non cancer dataset. The SpliceAI algorithm results in a non-informative deltascore (0.15) for the effect of this variant on splicing. In addition, it has been reported in ClinVar (36x as pathogenic), LOVD databases (59x as pathogenic, 1x pPAT, 1x VUS, 1x not provided) and also classified as pathogenic reviewed by an expert panel (ENIGMA (22/04/2016):”Variant allele predicted to encode a truncated non-functional protein”)). Based on currently available information, the variant c.3331_3334del is classified as a pathogenic variant according to ClinGen-BRCA1 and BRCA2 Guidelines version 1.0.0.